The following is an entry in ClinVar:

ClinVar aggregate classification (germline): Likely benign (0 of 4 stars; one submission).

Conditions:
CDK16-related disorder. Also called: CDK16-related condition.

Allele frequency attached by ClinVar (database versions not stated): gnomAD 0.00005; gnomAD exomes 0.00005; TOPMed 0.00005; ExAC 0.00009; ESP Exome Variant Server 0.00009.
gnomAD v4.1: 62 of 1,209,852 alleles (0.0051%); highest among the groups gnomAD compares: Middle Eastern, 0.11%; no homozygotes.

Submission:

PreventionGenetics, part of Exact Sciences
Classification: Likely benign for CDK16-related condition. Last evaluated: 2019-09-19. Review status: no assertion criteria provided. Collection method: clinical testing. Allele origin: germline.
Comment: This variant is classified as likely benign based on ACMG/AMP sequence variant interpretation guidelines (Richards et al. 2015 PMID: 25741868, with internal and published modifications).

NM_006201.5(CDK16):c.352C>T (p.Leu118=)

Gene: CDK16 (cyclin dependent kinase 16; plus strand). Cytogenetic location: Xp11.3.
Variant type: single nucleotide variant.
Coding change: c.352C>T on transcript NM_006201.5 (MANE Select); coding-DNA position 352, C replaced by T.
Protein change: p.Leu118=; no amino-acid change (leucine 118 retained).
Molecular consequence: synonymous variant.
Genome position (GRCh38, 1-based): chrX:47,224,633, C>T. VCF-style: chrX-47224633-C-T. GRCh37 (hg19) VCF-style: chrX-47084032-C-T.
Other names: c.574C>T, p.Leu192= (NM_001170460.2); c.370C>T, p.Leu124= (NM_033018.4).
Identifiers: ClinVar variation 3041070 (VCV003041070.2), dbSNP rs146600180, ClinGen allele CA10396415.